The following is an entry in ClinVar:

ClinVar aggregate classification (germline): Uncertain significance. Review status: criteria provided, multiple submitters, no conflicts (2 of 4 stars). 2 submissions from 2 submitters: Uncertain significance (2). Last evaluated 2026-07-08.

Conditions:
Neurodevelopmental disorder with hypotonia and brain abnormalities. Identifiers: MedGen C5561977, MONDO:0859187, OMIM 619512.
Neurodevelopmental disorder with seizures and brain abnormalities. Identifiers: MedGen C5561979, MONDO:0859188, OMIM 619517.
Inborn genetic diseases. Identifiers: MedGen C0950123, MeSH D030342.

gnomAD v4.1: 12 of 1,613,744 alleles (0.00074%); highest among the groups gnomAD compares: Middle Eastern, 0.016%; no homozygotes.

Submissions (2):

Ambry Genetics
Classification: Uncertain significance for Inborn genetic diseases. Last evaluated: 2026-07-08. Review status: criteria provided, single submitter. Criteria: Ambry Variant Classification Scheme 2023. Collection method: clinical testing. Allele origin: germline.
Comment: The c.1117C>T (p.R373C) alteration is located in exon 1 (coding exon 1) of the CLCN3 gene. This alteration results from a C to T substitution at nucleotide position 1117, causing the arginine (R) at amino acid position 373 to be replaced by a cysteine (C). Based on data from gnomAD, the T allele has an overall frequency of 0.001% (2/282596) total alleles studied. The highest observed frequency was 0.004% (1/25112) of European (Finnish) alleles. Based on insufficient or conflicting evidence, the clinical significance of this alteration remains unclear.

Juno Genomics, Hangzhou Juno Genomics, Inc
Classification: Uncertain significance for Neurodevelopmental disorder with hypotonia and brain abnormalities; Neurodevelopmental disorder with seizures and brain abnormalities. Review status: criteria provided, single submitter. Criteria: ACMG Guidelines, 2015. Collection method: clinical testing. Allele origin: germline.
Comment: Absent from controls (or at extremely low frequency if recessive) in Genome Aggregation Database.;Missense variant in a gene that has a low rate of benign missense variation.;Multiple lines of computational evidence support a deleterious effect on the gene or gene product.

NM_001829.4(CLCN3):c.1117C>T (p.Arg373Cys)

Gene: CLCN3 (Cl-/H+ antiporter 3; plus strand). Cytogenetic location: 4q33.
Variant type: single nucleotide variant.
Coding change: c.1117C>T on transcript NM_001829.4 (MANE Select); coding-DNA position 1117, C replaced by T.
Protein change: p.Arg373Cys; replaces arginine 373 with cysteine.
Molecular consequence: missense variant.
Genome position (GRCh38, 1-based): chr4:169,697,288, C>T. VCF-style: chr4-169697288-C-T. GRCh37 (hg19) VCF-style: chr4-170618439-C-T.
Other names: c.1117C>T (NM_173872.3); c.1036C>T, p.Arg346Cys (NM_001243372.2, NM_001243374.2); c.1117C>T, p.Arg373Cys (NM_173872.4); short protein forms R346C, R373C.
Identifiers: ClinVar variation 5006751 (VCV005006751.3).